The following is an entry in ClinVar:

ClinVar aggregate classification (germline): Uncertain significance. Review status: criteria provided, multiple submitters, no conflicts (2 of 4 stars). 2 submissions from 2 submitters: Uncertain significance (2). Last evaluated 2025-02-19.

Conditions:
Ectodermal dysplasia and immunodeficiency 2. Identifiers: Orphanet 238468, Orphanet 98813, MedGen C2677481, MONDO:0012806, OMIM 612132.

Allele frequency attached by ClinVar (database versions not stated): gnomAD exomes below 0.00001; TOPMed below 0.00001; ExAC 0.00001.
gnomAD v4.1: 10 of 1,614,010 alleles (0.00062%); highest among the groups gnomAD compares: Middle Eastern, 0.017%; no homozygotes.

Submissions (2):

Labcorp Genetics (formerly Invitae), Labcorp
Classification: Uncertain significance for Ectodermal dysplasia and immunodeficiency 2. Last evaluated: 2025-02-19. Review status: criteria provided, single submitter. Criteria: Invitae Variant Classification Sherloc (09022015). Collection method: clinical testing. Allele origin: germline.
Comment: This sequence change replaces proline, which is neutral and non-polar, with arginine, which is basic and polar, at codon 304 of the NFKBIA protein (p.Pro304Arg). This variant is present in population databases (rs779867290, gnomAD 0.0009%). This variant has not been reported in the literature in individuals affected with NFKBIA-related conditions. ClinVar contains an entry for this variant (Variation ID: 881430). An algorithm developed to predict the effect of missense changes on protein structure and function (PolyPhen-2) suggests that this variant is likely to be tolerated. In summary, the available evidence is currently insufficient to determine the role of this variant in disease. Therefore, it has been classified as a Variant of Uncertain Significance.

Illumina Laboratory Services, Illumina
Classification: Uncertain significance for Ectodermal dysplasia and immunodeficiency 2. Last evaluated: 2018-03-30. Review status: criteria provided, single submitter. Criteria: ICSL Variant Classification Criteria 13 December 2019. Collection method: clinical testing. Allele origin: germline.

NM_020529.3(NFKBIA):c.911C>G (p.Pro304Arg)

Gene: NFKBIA (NFKB inhibitor alpha; minus strand). Cytogenetic location: 14q13.2.
Variant type: single nucleotide variant.
Coding change: c.911C>G on transcript NM_020529.3 (MANE Select); coding-DNA position 911, C replaced by G.
Protein change: p.Pro304Arg; replaces proline 304 with arginine.
Molecular consequence: missense variant.
Genome position (GRCh38, 1-based): chr14:35,402,056, G>C on the plus strand (C>G on the coding strand, the complement: NFKBIA is on the minus strand). VCF-style: chr14-35402056-G-C. GRCh37 (hg19) VCF-style: chr14-35871262-G-C.
Other names: short protein forms P304R.
Identifiers: ClinVar variation 881430 (VCV000881430.7), dbSNP rs779867290, ClinGen allele CA7155305.
Genomic context (GRCh38, chr14:35,402,056, plus strand): 5'-TTTCAGCCCCTTTGCGCTCATAACGTCAGACGCTGGCCTCCAAACACACAGTCATCATAG[G>C]GCAGCTGAAAACAAGGGGAAAAAAGACACGTTAAGCTTCCGGAGCGGAGCTCTGCCAAGC-3'
Protein context (NP_065390.1, residues 294-314): EFTEFTEDEL[Pro304Arg]YDDCVFGGQR